The following is an entry in ClinVar:

ClinVar aggregate classification (germline): Likely benign. Review status: criteria provided, multiple submitters, no conflicts (2 of 4 stars). 3 submissions from 3 submitters: Likely benign (3). Last evaluated 2025-10-17.

Conditions:
DYNC1H1-related disorder. Also called: DYNC1H1-related condition; DYNC1H1-related disorders. Identifiers: MedGen CN381529.
Charcot-Marie-Tooth disease axonal type 2O. Also called: CHARCOT-MARIE-TOOTH NEUROPATHY, AXONAL, TYPE 2O; CHARCOT-MARIE-TOOTH DISEASE, AXONAL, AUTOSOMAL DOMINANT, TYPE 2O; Charcot-Marie-Tooth Neuropathy Type 2O; Charcot-Marie-Tooth disease, axonal, type 20. Identifiers: Orphanet 284232, MedGen C3280220, MONDO:0013644, OMIM 614228.

Allele frequency attached by ClinVar (database versions not stated): ExAC 0.00001; gnomAD 0.00001; gnomAD exomes 0.00001; TOPMed 0.00001.
gnomAD v4.1: 14 of 1,614,222 alleles (0.00087%); highest among the groups gnomAD compares: East Asian, 0.011%; no homozygotes.

Submissions (3):

PreventionGenetics, part of Exact Sciences
Classification: Likely benign for DYNC1H1-related condition. Last evaluated: 2025-10-17. Review status: criteria provided, single submitter. Criteria: ACMG Guidelines, 2015. Collection method: clinical testing. Allele origin: germline.
Comment: This variant is classified as likely benign based on ACMG/AMP sequence variant interpretation guidelines (Richards et al. 2015 PMID: 25741868, with internal and published modifications).

CeGaT Center for Human Genetics Tuebingen
Classification: Likely benign. Last evaluated: 2025-07-01. Review status: criteria provided, single submitter. Criteria: CeGaT Center For Human Genetics Tuebingen Variant Classification Criteria Version 2. Collection method: clinical testing. Allele origin: germline. Affected: yes. Observed: 1 variant allele.
Comment: DYNC1H1: BP4, BP7

Labcorp Genetics (formerly Invitae), Labcorp
Classification: Likely benign for Charcot-Marie-Tooth disease axonal type 2O. Last evaluated: 2024-07-25. Review status: criteria provided, single submitter. Criteria: Invitae Variant Classification Sherloc (09022015). Collection method: clinical testing. Allele origin: germline.

NM_001376.5(DYNC1H1):c.1767T>C (p.Asn589=)

Gene: DYNC1H1 (dynein cytoplasmic 1 heavy chain 1; plus strand). Cytogenetic location: 14q32.31.
Variant type: single nucleotide variant.
Coding change: c.1767T>C on transcript NM_001376.5 (MANE Select); coding-DNA position 1767, T replaced by C.
Protein change: p.Asn589=; no amino-acid change (asparagine 589 retained).
Molecular consequence: synonymous variant.
Genome position (GRCh38, 1-based): chr14:101,985,992, T>C. VCF-style: chr14-101985992-T-C. GRCh37 (hg19) VCF-style: chr14-102452329-T-C.
Other names: c.1767T>C (NM_001376.4).
Identifiers: ClinVar variation 1579869 (VCV001579869.17), dbSNP rs769481018, ClinGen allele CA7351733.